The following is an entry in ClinVar:

ClinVar aggregate classification (germline): Uncertain significance (1 of 4 stars; one submission).

Conditions:
Cardiovascular phenotype. Identifiers: MedGen CN230736.

Submission:

Ambry Genetics
Classification: Uncertain significance for Cardiovascular phenotype. Last evaluated: 2017-01-26. Review status: criteria provided, single submitter. Criteria: Ambry Variant Classification Scheme 2023. Collection method: clinical testing. Allele origin: germline.
Comment: The c.1788_1790delAGA variant (also known as p.E596del) is located in coding exon 15 of the KCNQ1 gene. This variant results from an in-frame deletion of 3 nucleotides (AGA) at positions 1788 to 1790, causing the removal of a highly-conserved glutamic acid residue at codon 596. In a study of long QT syndrome clinical genetic testing, this alteration was reported in one patient; however, clinical details were limited (Kapplinger JD et al. Heart Rhythm, 2009 Sep;6:1297-303). Based on internal analysis, this alteration is predicted to be structurally deleterious. The tertiary structure of the region around this variant has been well characterized and shown to be necessary for protein function (Xu Q et al. Protein Sci., 2009 Oct;18:2100-14; Wiener R et al. J. Biol. Chem., 2008 Feb;283:5815-30; Choveau FS et al. PLoS ONE, 2015 Dec;10:e0145367). However, since supporting evidence is limited at this time, the clinical significance of this alteration remains unclear.

Literature cited by the submitters: PubMed 18165683; PubMed 19693805; PubMed 19716085; PubMed 26692086.

NM_000218.3(KCNQ1):c.1785AGA[1] (p.Glu596del)

Gene: KCNQ1 (potassium voltage-gated channel subfamily Q member 1; plus strand). Cytogenetic location: 11p15.5.
Variant type: Microsatellite.
Coding change: c.1785AGA[1] on transcript NM_000218.3 (MANE Select); one copy of the 3-base unit AGA starting at c.1785; the reference has two copies in a row; one copy, 3 bases deleted.
Protein change: p.Glu596del; deletes glutamic acid 596.
Molecular consequence: inframe deletion. On other transcripts: inframe indel (7).
Genome position (GRCh38, 1-based): chr11:2,778,031-2,778,033, AGA deleted; deleting any 3 consecutive bases within chr11:2,778,028-2,778,033 gives the same sequence; the position shown is the placement nearest the transcript's 3' end. VCF-style (leftmost placement, unchanged base first): chr11-2778027-TAGA-T. GRCh37 (hg19) VCF-style: chr11-2799257-TAGA-T.
Other names: c.1785_1787AGA[1], p.Glu596del (NM_000218.2); c.1689_1691AGA[1], p.Glu564del (NM_001406836.1); c.1515_1517AGA[1], p.Glu506del (NM_001406837.1); c.1245_1247AGA[1], p.Glu416del (NM_001406838.1); c.297_299AGA[1], p.Glu100del (NM_001406839.1); c.1404_1406AGA[1], p.Glu469del (NM_181798.2); c.1788_1790delAGA (NM_000218.2); short protein forms E469del, E416del, E506del, E564del, E596del, E100del.
Identifiers: ClinVar variation 1780116 (VCV001780116.2), dbSNP rs2494146076, ClinGen allele CA2580615606.